The following is an entry in ClinVar:

NM_001142800.2(EYS):c.8342G>A (p.Ser2781Asn)

Genes: EYS (eyes shut homolog; minus strand), PHF3 (PHD finger protein 3; plus strand). Cytogenetic location: 6q12.
Variant type: single nucleotide variant.
Coding change: c.8342G>A on transcript NM_001142800.2 (MANE Select); coding-DNA position 8342, G replaced by A.
Protein change: p.Ser2781Asn; replaces serine 2781 with asparagine.
Molecular consequence: missense variant. On other transcripts: 3 prime UTR variant (5).
Genome position (GRCh38, 1-based): chr6:63,721,689, C>T on the plus strand (G>A on the coding strand, the complement: EYS is on the minus strand). VCF-style: chr6-63721689-C-T. GRCh37 (hg19) VCF-style: chr6-64431585-C-T.
Other names: c.*7981C>T (NM_001290259.2, NM_001370348.2, NM_001370349.2 and 2 more transcripts); c.8405G>A, p.Ser2802Asn (NM_001292009.2); short protein forms S2781N, S2802N.
Identifiers: ClinVar variation 1910133 (VCV001910133.2), dbSNP rs1561994287, ClinGen allele CA364385149.

ClinVar aggregate classification (germline): Uncertain significance (1 of 4 stars; one submission).

Allele frequency attached by ClinVar (database versions not stated): gnomAD exomes below 0.00001.
gnomAD v4.1: 1 of 1,551,410 alleles (0.000064%); highest among the groups gnomAD compares: Non-Finnish European, 0.000087%; no homozygotes.

Submission:

Labcorp Genetics (formerly Invitae), Labcorp
Classification: Uncertain significance. Last evaluated: 2022-04-11. Review status: criteria provided, single submitter. Criteria: Invitae Variant Classification Sherloc (09022015). Collection method: clinical testing. Allele origin: germline.
Comment: This sequence change replaces serine, which is neutral and polar, with asparagine, which is neutral and polar, at codon 2781 of the EYS protein (p.Ser2781Asn). This variant is not present in population databases (gnomAD no frequency). This variant has not been reported in the literature in individuals affected with EYS-related conditions. Algorithms developed to predict the effect of missense changes on protein structure and function output the following: SIFT: "Tolerated"; PolyPhen-2: "Benign"; Align-GVGD: "Class C0". The asparagine amino acid residue is found in multiple mammalian species, which suggests that this missense change does not adversely affect protein function. In summary, the available evidence is currently insufficient to determine the role of this variant in disease. Therefore, it has been classified as a Variant of Uncertain Significance.